The following is an entry in ClinVar:

NM_001009944.3(PKD1):c.5332_5333delinsACCCGGCCCCACACCCGGCC (p.Leu1778delinsThrArgProHisThrArgPro)

Gene: PKD1 (polycystin 1, transient receptor potential channel interacting; minus strand). Cytogenetic location: 16p13.3.
Variant type: Indel.
Coding change: c.5332_5333delinsACCCGGCCCCACACCCGGCC on transcript NM_001009944.3 (MANE Select); coding-DNA positions 5332 to 5333, TT replaced by ACCCGGCCCCACACCCGGCC.
Protein change: p.Leu1778delinsThrArgProHisThrArgPro.
Molecular consequence: inframe indel.
Genome position (GRCh38, 1-based): chr16:2,109,834-2,109,835, AA replaced by GGCCGGGTGTGGGGCCGGGT on the plus strand (TT replaced by ACCCGGCCCCACACCCGGCC on the coding strand, the reverse complement: PKD1 is on the minus strand). VCF-style: chr16-2109834-AA-GGCCGGGTGTGGGGCCGGGT. GRCh37 (hg19) VCF-style: chr16-2159835-AA-GGCCGGGTGTGGGGCCGGGT.
Other names: c.5332_5333delinsACCCGGCCCCACACCCGGCC, p.Leu1778delinsThrArgProHisThrArgPro (NM_000296.4); c.5332_5333delTTinsACCCGGCCCCACACCCGGCC, p.Leu1778delinsThrArgProHisThrArgPro (NM_001009944.2).
Identifiers: ClinVar variation 1801891 (VCV001801891.2), dbSNP rs2544813080, ClinGen allele CA2580090925.
Genomic context (GRCh38, chr16:2,109,834, plus strand): 5'-ACATCCACTTCCACGGTGGCGTTGGCTGAGCCCAGCGGGTTCCCTGCCGTCATGGTGACC[AA>GGCCGGGTGTGGGGCCGGGT]GTGCAGGCCGGGTGTGGGGAAGCTATGGGTGGTAAATGGCTCGGAGGTCTCCCAGCTCAG-3'

ClinVar aggregate classification (germline): Uncertain significance. Review status: criteria provided, single submitter (1 of 4 stars). 2 submissions from 2 submitters: Uncertain significance (1). 1 of the submissions does not count toward it. Last evaluated 2022-05-31.

Conditions:
PKD1-related disorder. Also called: PKD1-related condition.

Submissions (2):

GeneDx
Classification: Uncertain significance. Last evaluated: 2022-05-31. Review status: criteria provided, single submitter. Criteria: GeneDx Variant Classification Process June 2021. Collection method: clinical testing. Allele origin: germline. Affected: yes.
Comment: In-frame deletion of 1 amino acid and insertion of 7 amino acids in a non-repeat region; Not observed at significant frequency in large population cohorts (gnomAD); In silico analysis supports a deleterious effect on protein structure/function; Has not been previously published as pathogenic or benign to our knowledge

PreventionGenetics, part of Exact Sciences
Classification: Uncertain significance for PKD1-related condition. Last evaluated: 2024-07-19. Review status: no assertion criteria provided. Collection method: clinical testing. Allele origin: germline. Not counted in ClinVar's aggregate classification.
Comment: The PKD1 c.5332_5333delinsACCCGGCCCCACACCCGGCC variant is predicted to result in an in-frame deletion and insertion. To our knowledge, this variant has not been reported in the literature or in a large population database, indicating this variant is rare. Of note, small in-frame deletions were commonly reported to be pathogenic for autosomal dominant polycystic kidney disease (ADPKD). Although we suspect that this variant may be pathogenic, at this time, the clinical significance of this variant is uncertain due to the absence of conclusive functional and genetic evidence.